The following is an entry in ClinVar:

ClinVar aggregate classification (germline): Uncertain significance (1 of 4 stars; one submission).

Conditions:
Joubert syndrome. Also called: CEREBELLOPARENCHYMAL DISORDER IV; JOUBERT-BOLTSHAUSER SYNDROME; Familial aplasia of the vermis. Identifiers: Orphanet 475, MedGen C5979921, MONDO:0018772.
Orofaciodigital syndrome I (OFD1). Also called: OFDS I; Papillon-Leage and Psaume Syndrome; Oral-Facial-Digital Syndrome Type I. Identifiers: Orphanet 2750, MedGen C1510460, MONDO:0010702, OMIM 311200.

Submission:

Labcorp Genetics (formerly Invitae), Labcorp
Classification: Uncertain significance for Orofaciodigital syndrome I; Joubert syndrome. Last evaluated: 2022-08-22. Review status: criteria provided, single submitter. Criteria: Invitae Variant Classification Sherloc (09022015). Collection method: clinical testing. Allele origin: germline.
Comment: In summary, the available evidence is currently insufficient to determine the role of this variant in disease. Therefore, it has been classified as a Variant of Uncertain Significance. Algorithms developed to predict the effect of missense changes on protein structure and function are either unavailable or do not agree on the potential impact of this missense change (SIFT: "Deleterious"; PolyPhen-2: "Probably Damaging"; Align-GVGD: "Class C0"). This variant has not been reported in the literature in individuals affected with OFD1-related conditions. This variant is not present in population databases (gnomAD no frequency). This sequence change replaces histidine, which is basic and polar, with glutamine, which is neutral and polar, at codon 151 of the OFD1 protein (p.His151Gln).

NM_003611.3(OFD1):c.453T>G (p.His151Gln)

Gene: OFD1 (OFD1 centriole and centriolar satellite protein; plus strand). Cytogenetic location: Xp22.2.
Variant type: single nucleotide variant.
Coding change: c.453T>G on transcript NM_003611.3 (MANE Select); coding-DNA position 453, T replaced by G.
Protein change: p.His151Gln; replaces histidine 151 with glutamine.
Molecular consequence: missense variant.
Genome position (GRCh38, 1-based): chrX:13,744,455, T>G. VCF-style: chrX-13744455-T-G. GRCh37 (hg19) VCF-style: chrX-13762574-T-G.
Other names: c.453T>G, p.His151Gln (NM_001330209.2); c.33T>G, p.His11Gln (NM_001330210.2); short protein forms H151Q, H11Q.
Identifiers: ClinVar variation 1994745 (VCV001994745.4), dbSNP rs2518821235, ClinGen allele CA412335921.